The following is an entry in ClinVar:

NM_001395002.1(MAP4K4):c.2380C>T (p.Pro794Ser)

Gene: MAP4K4 (mitogen-activated protein kinase kinase kinase kinase 4; plus strand). Cytogenetic location: 2q11.2.
Variant type: single nucleotide variant.
Coding change: c.2380C>T on transcript NM_001395002.1 (MANE Select); coding-DNA position 2380, C replaced by T.
Protein change: p.Pro794Ser; replaces proline 794 with serine.
Molecular consequence: missense variant. On other transcripts: non-coding transcript variant (4).
Genome position (GRCh38, 1-based): chr2:101,867,235, C>T. VCF-style: chr2-101867235-C-T. GRCh37 (hg19) VCF-style: chr2-102483697-C-T.
Other names: c.1894C>T, p.Pro632Ser (NM_001384478.1, NM_001384482.1, NM_001384495.1); c.2149C>T, p.Pro717Ser (NM_001384481.1, NM_001384486.1, NM_001384507.1); c.2125C>T, p.Pro709Ser (NM_001384487.1, NM_001242560.2); c.2380C>T, p.Pro794Ser (NM_001384497.1, NM_001384506.1); c.1984C>T, p.Pro662Ser (NM_001384483.1, NM_001384494.1); c.2218C>T, p.Pro740Ser (NM_001384484.1, NM_001384485.1, NM_001384493.1); c.2212C>T, p.Pro738Ser (NM_001384508.1, NM_001384477.1); c.2122C>T, p.Pro708Ser (NM_001384509.1, NM_001384491.1, NM_001384579.1); and 19 more; short protein forms P622S, P623S, P631S, P632S, P654S, P662S, P663S, P677S.
Identifiers: ClinVar variation 4689905 (VCV004689905.1).

ClinVar aggregate classification (germline): Uncertain significance (1 of 4 stars; one submission).

gnomAD v4.1: 1 of 1,604,794 alleles (0.000062%); highest among the groups gnomAD compares: Non-Finnish European, 0.000085%; no homozygotes.

Submission:

GeneDx
Classification: Uncertain significance. Last evaluated: 2025-07-28. Review status: criteria provided, single submitter. Criteria: GeneDx Variant Classification Process June 2021. Collection method: clinical testing. Allele origin: germline. Affected: yes.
Comment: Not observed at significant frequency in large population cohorts (gnomAD); In silico analysis supports that this missense variant has a deleterious effect on protein structure/function; Has not been previously published as pathogenic or benign to our knowledge